The following is an entry in ClinVar:

NM_001142864.4(PIEZO1):c.6439_6441del (p.Phe2147del)

Gene: PIEZO1 (piezo type mechanosensitive ion channel component 1 (Er blood group); minus strand). Cytogenetic location: 16q24.3.
Variant type: Deletion.
Coding change: c.6439_6441del on transcript NM_001142864.4 (MANE Select); coding-DNA positions 6439 to 6441, 3 bases deleted (TTC; older notation c.6439_6441delTTC).
Protein change: p.Phe2147del; deletes phenylalanine 2147.
Molecular consequence: inframe deletion. On other transcripts: inframe indel (1).
Genome position (GRCh38, 1-based): chr16:88,719,604-88,719,606, GAA deleted on the plus strand (TTC on the coding strand, the reverse complement: PIEZO1 is on the minus strand); deleting any 3 consecutive bases within chr16:88,719,604-88,719,608 gives the same sequence; the c. name uses the placement nearest the transcript's 3' end. VCF-style (leftmost placement, unchanged base first): chr16-88719603-TGAA-T. GRCh37 (hg19) VCF-style: chr16-88786011-TGAA-T.
Other names: c.4979_4981delTCT, p.Phe1661del (NM_014745.1); short protein forms F1661del, F2147del.
Identifiers: ClinVar variation 3242215 (VCV003242215.3), dbSNP rs2507840260.

ClinVar aggregate classification (germline): Uncertain significance. Review status: criteria provided, multiple submitters, no conflicts (2 of 4 stars). 2 submissions from 2 submitters: Uncertain significance (2).

Conditions:
Blood group, ER (ER). Also called: ER BLOOD GROUP SYSTEM. Identifiers: MedGen C5703066, OMIM 620207.
Lymphatic malformation 6 (LMPHM6). Also called: PIEZO1-related generalized lymphatic dysplasia with non-immune hydrops fetalis; GENERALIZED LYMPHATIC DYSPLASIA OF FOTIOU; Lymphedema, hereditary, III. Identifiers: Orphanet 568062, MedGen C4225184, MONDO:0014797, OMIM 616843.
Dehydrated hereditary stomatocytosis with or without pseudohyperkalemia and/or perinatal edema (DHS1). Also called: DEHYDRATED HEREDITARY STOMATOCYTOSIS AND PSEUDOHYPERKALEMIA; DEHYDRATED HEREDITARY STOMATOCYTOSIS WITH PSEUDOHYPERKALEMIA AND PERINATAL EDEMA; Pseudohyperkalemia, familial, 1, due to red cell leak; Dehydrated hereditary stomatocytosis 1 with or without pseudohyperkalemia and/or perinatal edema; PSEUDOHYPERKALEMIA EDINBURGH. Identifiers: Orphanet 3202, MedGen C4551512, MONDO:0008689, OMIM 194380.

Submissions (2):

Juno Genomics, Hangzhou Juno Genomics, Inc
Classification: Uncertain significance for Blood group, ER; Dehydrated hereditary stomatocytosis with or without pseudohyperkalemia and/or perinatal edema; Lymphatic malformation 6. Review status: criteria provided, single submitter. Criteria: ACMG Guidelines, 2015. Collection method: clinical testing. Allele origin: germline.
Comment: Absent from controls (or at extremely low frequency if recessive) in Genome Aggregation Database.;Protein length changes due to in-frame deletions/insertions in a non-repeat region or stop-loss variants.

Neuberg Centre For Genomic Medicine, NCGM
Classification: Uncertain significance for Dehydrated hereditary stomatocytosis with or without pseudohyperkalemia and/or perinatal edema. Review status: criteria provided, single submitter. Criteria: ACMG Guidelines, 2015. Collection method: clinical testing. Allele origin: germline. Inheritance: Autosomal dominant inheritance. Affected: yes.
Comment: The observed īnframe deletion c.6439_6441del(p.Phe2147del) variant in PIEZO1 gene has not been reported previously as a pathogenic variant nor as a benign variant, to our knowledge. This variant is absent in gnomAD Exomes. This p.Phe2147del causes deletion of amino acid Phenylalanine at position 2147. For these reasons, this variant has been classified as Uncertain significance.